The following is an entry in ClinVar:

NM_001005242.3(PKP2):c.1220A>T (p.Gln407Leu)

Gene: PKP2 (plakophilin 2; minus strand). Cytogenetic location: 12p11.21.
Variant type: single nucleotide variant.
Coding change: c.1220A>T on transcript NM_001005242.3 (MANE Select); coding-DNA position 1220, A replaced by T.
Protein change: p.Gln407Leu; replaces glutamine 407 with leucine.
Molecular consequence: missense variant.
Genome position (GRCh38, 1-based): chr12:32,850,924, T>A on the plus strand (A>T on the coding strand, the complement: PKP2 is on the minus strand). VCF-style: chr12-32850924-T-A. GRCh37 (hg19) VCF-style: chr12-33003858-T-A.
Other names: c.1220A>T, p.Gln407Leu (NM_004572.4, NM_001407155.1, NM_001407156.1 and 2 more transcripts); c.893A>T, p.Gln298Leu (NM_001407158.1, NM_001407159.1, NM_001407160.1 and 1 more transcripts); short protein forms Q298L, Q407L.
Identifiers: ClinVar variation 3069499 (VCV003069499.1), dbSNP rs2541286785, ClinGen allele CA384370746.

ClinVar aggregate classification (germline): Uncertain significance (1 of 4 stars; one submission).

Conditions:
Arrhythmogenic right ventricular cardiomyopathy (ARVD). Also called: Arrhythmogenic right ventricular dysplasia; Cardiomyopathy, ARVC; Arrhythmogenic cardiomyopathy; Arrhythmogenic Right Ventricular Cardiomyopathy (ARVC). Identifiers: Orphanet 247, MedGen C0349788, MeSH D019571, MONDO:0016587. Disease mechanism: loss of function. Inheritance: Various modes of inheritance.

Submission:

All of Us Research Program, National Institutes of Health
Classification: Uncertain significance for Arrhythmogenic right ventricular cardiomyopathy. Last evaluated: 2023-02-24. Review status: criteria provided, single submitter. Criteria: ACMG Guidelines, 2015. Collection method: clinical testing. Allele origin: germline. Inheritance: Autosomal dominant inheritance. Observed: 1 variant allele, 1 heterozygote.
Comment: This missense variant replaces glutamine with leucine at codon 407 of the PKP2 protein. Computational prediction suggests that this variant may not impact protein structure and function (internally defined REVEL score threshold <= 0.5, PMID: 27666373). To our knowledge, functional studies have not been reported for this variant. This variant has not been reported in individuals affected with PKP2-related disorders in the literature. This variant has not been identified in the general population by the Genome Aggregation Database (gnomAD). The available evidence is insufficient to determine the role of this variant in disease conclusively. Therefore, this variant is classified as a Variant of Uncertain Significance.

This study involves interpretation of variants in research participants for the purpose of population health screening. Participant phenotype was not available at the time of variant classification. Additional details can be found in publication PMID: 35346344, PMCID: PMC8962531